The following is an entry in ClinVar:

NM_000051.4(ATM):c.4691C>A (p.Pro1564His)

Gene: ATM (ATM serine/threonine kinase; plus strand). Cytogenetic location: 11q22.3.
Variant type: single nucleotide variant.
Coding change: c.4691C>A on transcript NM_000051.4 (MANE Select); coding-DNA position 4691, C replaced by A.
Protein change: p.Pro1564His; replaces proline 1564 with histidine.
Molecular consequence: missense variant.
Genome position (GRCh38, 1-based): chr11:108,293,392, C>A. VCF-style: chr11-108293392-C-A. GRCh37 (hg19) VCF-style: chr11-108164119-C-A.
Other names: c.4691C>A, p.Pro1564His (NM_001351834.2); short protein forms P1564H.
Identifiers: ClinVar variation 419582 (VCV000419582.2), dbSNP rs1064793971, ClinGen allele CA16619189.

ClinVar aggregate classification (germline): Uncertain significance (1 of 4 stars; one submission).

Submission:

GeneDx
Classification: Uncertain significance. Last evaluated: 2015-07-28. Review status: criteria provided, single submitter. Criteria: GeneDx Variant Classification (06012015). Collection method: clinical testing. Allele origin: germline. Affected: yes.
Comment: This variant is denoted ATM c.4691C>A at the cDNA level, p.Pro1564His (P1564H) at the protein level, and results in the change of a Proline to a Histidine (CCT>CAT). This variant has not, to our knowledge, been published in the literature as pathogenic or benign. ATM Pro1564His was not observed in approximately 6,500 individuals of European and African American ancestry in the NHLBI Exome Sequencing Project, indicating it is not a common benign variant in these populations. Since Proline and Histidine differ in polarity, charge, size or other properties, this is considered a non-conservative amino acid substitution. ATM Pro1564His occurs at a position that is conserved across species and is not located in a known functional domain (Tavtigian 2009). In silico analyses predict that this variant is probably damaging to protein structure and function. Based on currently available information, it is unclear whether ATM Pro1564His is pathogenic or benign. We consider it to be a variant of uncertain significance.